The following is an entry in ClinVar:

NM_000465.4(BARD1):c.1037dup (p.Asp346fs)

Gene: BARD1 (BRCA1 associated RING domain 1; minus strand). Cytogenetic location: 2q35.
Variant type: Duplication.
Coding change: c.1037dup on transcript NM_000465.4 (MANE Select); coding-DNA position 1037, one base duplicated (A; older notation c.1037dupA).
Protein change: p.Asp346fs; shifts the reading frame from aspartic acid 346.
Molecular consequence: frameshift variant. On other transcripts: non-coding transcript variant (2), intron variant (3).
Genome position (GRCh38, 1-based): chr2:214,780,837, T duplicated on the plus strand (A on the coding strand, the reverse complement: BARD1 is on the minus strand). VCF-style (leftmost placement, unchanged base first): chr2-214780836-A-AT. GRCh37 (hg19) VCF-style: chr2-215645560-A-AT.
Other names: c.980dup, p.Asp327fs (NM_001282543.2); c.159-28282dup (NM_001282548.2); c.215+16224dup (NM_001282545.2); c.364+11460dup (NM_001282549.2); short protein forms D327fs, D346fs.
Identifiers: ClinVar variation 2583741 (VCV002583741.2), dbSNP rs2469504712, ClinGen allele CA2582342105.
Genomic context (GRCh38, chr2:214,780,836, plus strand): 5'-AGGTGGTGAAGAACATTCAGGCAATGGTATATTTTCTGAGGGCACCGTTTGCTTAACAAA[A>AT]TCTCCACTGGTGCTCAGAATGCTGGTTCTACATCTCTTAGAAATGGGACTGGAAAGTCTA-3'

ClinVar aggregate classification (germline): Pathogenic (1 of 4 stars; one submission).

Conditions:
Familial cancer of breast. Also called: Hereditary breast cancer; BREAST CANCER, FAMILIAL; hereditary breast carcinoma. Identifiers: Orphanet 227535, MedGen C0346153, MONDO:0016419, OMIM 114480. Disease mechanism: loss of function.

Submission:

Myriad Genetics, Inc.
Classification: Pathogenic for Familial cancer of breast. Last evaluated: 2023-05-22. Review status: criteria provided, single submitter. Criteria: Myriad Autosomal Dominant, Autosomal Recessive and X-Linked Classification Criteria (2023). Collection method: clinical testing. Allele origin: unknown.
Comment: This variant is considered pathogenic. This variant creates a frameshift predicted to result in premature protein truncation.